The following is an entry in ClinVar:

ClinVar aggregate classification (germline): Uncertain significance (1 of 4 stars; one submission).

Conditions:
Joubert syndrome. Also called: Familial aplasia of the vermis; CEREBELLOPARENCHYMAL DISORDER IV; JOUBERT-BOLTSHAUSER SYNDROME. Identifiers: Orphanet 475, MedGen C5979921, MONDO:0018772.

Allele frequency attached by ClinVar (database versions not stated): TOPMed below 0.00001; ExAC 0.00001; gnomAD 0.00001; 1000 Genomes Project 0.00020; 1000 Genomes Project 30x 0.00031.
gnomAD v4.1: 1 of 1,613,910 alleles (0.000062%); highest among the groups gnomAD compares: African/African-American, 0.0013%; no homozygotes.

Submission:

Labcorp Genetics (formerly Invitae), Labcorp
Classification: Uncertain significance for Joubert syndrome. Last evaluated: 2021-08-27. Review status: criteria provided, single submitter. Criteria: Invitae Variant Classification Sherloc (09022015). Collection method: clinical testing. Allele origin: germline.
Comment: This sequence change replaces threonine with alanine at codon 77 of the AHI1 protein (p.Thr77Ala). The threonine residue is weakly conserved and there is a small physicochemical difference between threonine and alanine. This variant is present in population databases (rs558131794, ExAC 0.01%). This variant has not been reported in the literature in individuals affected with AHI1-related conditions. Advanced modeling of protein sequence and biophysical properties (such as structural, functional, and spatial information, amino acid conservation, physicochemical variation, residue mobility, and thermodynamic stability) performed at Invitae indicates that this missense variant is not expected to disrupt AHI1 protein function. In summary, the available evidence is currently insufficient to determine the role of this variant in disease. Therefore, it has been classified as a Variant of Uncertain Significance.

NM_001134831.2(AHI1):c.229A>G (p.Thr77Ala)

Gene: AHI1 (Abelson helper integration site 1; minus strand). Cytogenetic location: 6q23.3.
Variant type: single nucleotide variant.
Coding change: c.229A>G on transcript NM_001134831.2 (MANE Select); coding-DNA position 229, A replaced by G.
Protein change: p.Thr77Ala; replaces threonine 77 with alanine.
Molecular consequence: missense variant.
Genome position (GRCh38, 1-based): chr6:135,466,334, T>C on the plus strand (A>G on the coding strand, the complement: AHI1 is on the minus strand). VCF-style: chr6-135466334-T-C. GRCh37 (hg19) VCF-style: chr6-135787472-T-C.
Other names: c.229A>G, p.Thr77Ala (NM_001134830.2, NM_001134832.2, NM_001350503.2 and 2 more transcripts); short protein forms T77A.
Identifiers: ClinVar variation 1041507 (VCV001041507.6), dbSNP rs558131794, ClinGen allele CA4012869.
Genomic context (GRCh38, chr6:135,466,334, plus strand): 5'-TGACTCTCGTGCTCTTCTTCAGGTTGTTAGTGTTAGCAGCACTTACATCATCACTTGTAG[T>C]TTCTTTAATATGGGGAAGATTGCTTCTAATAGTGTCGGGCTAGGAAAAGAAGACATGATA-3'
Protein context (NP_001128303.1, residues 67-87): IRSNLPHIKE[Thr77Ala]TSDDVSAANT